The following is an entry in ClinVar:

NM_004415.4(DSP):c.2143G>T (p.Asp715Tyr)

Gene: DSP (desmoplakin; plus strand). Cytogenetic location: 6p24.3.
Variant type: single nucleotide variant.
Coding change: c.2143G>T on transcript NM_004415.4 (MANE Select); coding-DNA position 2143, G replaced by T.
Protein change: p.Asp715Tyr; replaces aspartic acid 715 with tyrosine.
Molecular consequence: missense variant.
Genome position (GRCh38, 1-based): chr6:7,574,098, G>T. VCF-style: chr6-7574098-G-T. GRCh37 (hg19) VCF-style: chr6-7574331-G-T.
Other names: c.2143G>T, p.Asp715Tyr (NM_001008844.3, NM_001319034.2); short protein forms D715Y.
Identifiers: ClinVar variation 3762831 (VCV003762831.2).

ClinVar aggregate classification (germline): Uncertain significance (1 of 4 stars; one submission).

Conditions:
Arrhythmogenic cardiomyopathy with wooly hair and keratoderma. Also called: Arrhythmogenic cardiomyopathy with woolly hair and keratoderma; PALMOPLANTAR KERATODERMA WITH LEFT VENTRICULAR CARDIOMYOPATHY AND WOOLLY HAIR; Carvajal syndrome; Dilated cardiomyopathy with woolly hair and keratoderma. Identifiers: Orphanet 65282, MedGen C1854063, MONDO:0011581, OMIM 605676.
Arrhythmogenic right ventricular dysplasia 8 (ARVD8). Also called: Arrhythmogenic Right Ventricular Dysplasia/Cardiomyopathy 8; ARRHYTHMOGENIC RIGHT VENTRICULAR DYSPLASIA, FAMILIAL, 8; ARRHYTHMOGENIC RIGHT VENTRICULAR CARDIOMYOPATHY 8. Identifiers: MedGen C1843896, MONDO:0011831, OMIM 607450.

gnomAD v4.1: 2 of 1,613,986 alleles (0.00012%); highest among the groups gnomAD compares: African/African-American, 0.0027%; no homozygotes.

Submission:

Labcorp Genetics (formerly Invitae), Labcorp
Classification: Uncertain significance for Arrhythmogenic cardiomyopathy with wooly hair and keratoderma; Arrhythmogenic right ventricular dysplasia 8. Last evaluated: 2025-05-09. Review status: criteria provided, single submitter. Criteria: Invitae Variant Classification Sherloc (09022015). Collection method: clinical testing. Allele origin: germline.
Comment: This sequence change replaces aspartic acid, which is acidic and polar, with tyrosine, which is neutral and polar, at codon 715 of the DSP protein (p.Asp715Tyr). This variant is not present in population databases (gnomAD no frequency). This variant has not been reported in the literature in individuals affected with DSP-related conditions. ClinVar contains an entry for this variant (Variation ID: 3762831). An algorithm developed to predict the effect of missense changes on protein structure and function (PolyPhen-2) suggests that this variant is likely to be disruptive. In summary, the available evidence is currently insufficient to determine the role of this variant in disease. Therefore, it has been classified as a Variant of Uncertain Significance.